The following is an entry in ClinVar:

ClinVar aggregate classification (germline): Uncertain significance (1 of 4 stars; one submission).

Submission:

Dasa
Classification: Uncertain significance. Last evaluated: 2026-03-14. Review status: criteria provided, single submitter. Criteria: DASA Assertion Criteria. Collection method: clinical testing. Allele origin: germline.
Comment: NM_005157.6(ABL1):c.793A>G (p.Ser265Gly) is a missense variant that results in the substitution of serine with glycine. The affected residue or protein region has prior evidence supporting clinical relevance. This variant is rare in population databases. The currently available literature and clinical evidence are not sufficient to establish a definitive association between this variant and the reported condition. Therefore, this variant is classified as a variant of uncertain significance.

NM_005157.6(ABL1):c.793A>G (p.Ser265Gly)

Gene: ABL1 (ABL proto-oncogene 1, non-receptor tyrosine kinase; plus strand). Cytogenetic location: 9q34.12.
Variant type: single nucleotide variant.
Coding change: c.793A>G on transcript NM_005157.6 (MANE Select); coding-DNA position 793, A replaced by G.
Protein change: p.Ser265Gly; replaces serine 265 with glycine.
Molecular consequence: missense variant.
Genome position (GRCh38, 1-based): chr9:130,863,006, A>G. VCF-style: chr9-130863006-A-G. GRCh37 (hg19) VCF-style: chr9-133738393-A-G.
Other names: c.850A>G, p.Ser284Gly (NM_007313.3); short protein forms S265G, S284G.
Identifiers: ClinVar variation 4881472 (VCV004881472.2).